The following is an entry in ClinVar:

NM_015338.6(ASXL1):c.1908G>A (p.Ala636=)

Gene: ASXL1 (ASXL transcriptional regulator 1; plus strand). Cytogenetic location: 20q11.21.
Variant type: single nucleotide variant.
Coding change: c.1908G>A on transcript NM_015338.6 (MANE Select); coding-DNA position 1908, G replaced by A.
Protein change: p.Ala636=; no amino-acid change (alanine 636 retained).
Molecular consequence: synonymous variant.
Genome position (GRCh38, 1-based): chr20:32,434,620, G>A. VCF-style: chr20-32434620-G-A. GRCh37 (hg19) VCF-style: chr20-31022423-G-A.
Other names: c.1725G>A, p.Ala575= (NM_001363734.1).
Identifiers: ClinVar variation 2916701 (VCV002916701.26), dbSNP rs562455536, ClinGen allele CA9808482.

ClinVar aggregate classification (germline): Likely benign. Review status: criteria provided, multiple submitters, no conflicts (2 of 4 stars). 3 submissions from 3 submitters: Likely benign (3). Last evaluated 2024-11-27.

Conditions:
Inborn genetic diseases. Identifiers: MedGen C0950123, MeSH D030342.

Allele frequency attached by ClinVar (database versions not stated): gnomAD exomes 0.00002; TOPMed 0.00002.
gnomAD v4.1: 36 of 1,609,682 alleles (0.0022%); highest among the groups gnomAD compares: Non-Finnish European, 0.0029%; no homozygotes.

Submissions (3):

Ambry Genetics
Classification: Likely benign for Inborn genetic diseases. Last evaluated: 2024-11-27. Review status: criteria provided, single submitter. Criteria: Ambry Variant Classification Scheme 2023. Collection method: clinical testing. Allele origin: germline.

Labcorp Genetics (formerly Invitae), Labcorp
Classification: Likely benign. Last evaluated: 2024-11-11. Review status: criteria provided, single submitter. Criteria: Invitae Variant Classification Sherloc (09022015). Collection method: clinical testing. Allele origin: germline.

CeGaT Center for Human Genetics Tuebingen
Classification: Likely benign. Last evaluated: 2024-01-01. Review status: criteria provided, single submitter. Criteria: CeGaT Center For Human Genetics Tuebingen Variant Classification Criteria Version 2. Collection method: clinical testing. Allele origin: germline. Affected: yes. Observed: 1 variant allele.
Comment: ASXL1: BP4, BP7